The following is an entry in ClinVar:

ClinVar aggregate classification (germline): Uncertain significance (1 of 4 stars; one submission).

gnomAD v4.1: 15 of 1,537,684 alleles (0.00098%); highest among the groups gnomAD compares: East Asian, 0.0073%; no homozygotes.

Submission:

CeGaT Center for Human Genetics Tuebingen
Classification: Uncertain significance. Last evaluated: 2026-08-01. Review status: criteria provided, single submitter. Criteria: CeGaT Center For Human Genetics Tuebingen Variant Classification Criteria Version 2. Collection method: clinical testing. Allele origin: germline. Affected: yes. Observed: 1 variant allele.
Comment: PLEC: PM2, PP3

NM_201384.3(PLEC):c.5287G>A (p.Glu1763Lys)

Gene: PLEC (plectin; minus strand). Cytogenetic location: 8q24.3.
Variant type: single nucleotide variant.
Coding change: c.5287G>A on transcript NM_201384.3 (MANE Select); coding-DNA position 5287, G replaced by A.
Protein change: p.Glu1763Lys; replaces glutamic acid 1763 with lysine.
Molecular consequence: missense variant. On other transcripts: intron variant (1).
Genome position (GRCh38, 1-based): chr8:143,924,642, C>T on the plus strand (G>A on the coding strand, the complement: PLEC is on the minus strand). VCF-style: chr8-143924642-C-T. GRCh37 (hg19) VCF-style: chr8-144998810-C-T.
Other names: c.5368G>A, p.Glu1790Lys (NM_000445.5); c.5245G>A, p.Glu1749Lys (NM_201378.4); c.5221G>A, p.Glu1741Lys (NM_201379.3); c.5698G>A, p.Glu1900Lys (NM_201380.4); c.5191G>A, p.Glu1731Lys (NM_201381.3); c.5287G>A, p.Glu1763Lys (NM_201382.4); c.5299G>A, p.Glu1767Lys (NM_201383.3); c.4125+2142G>A (NM_001410941.1); short protein forms E1731K, E1741K, E1749K, E1763K, E1767K, E1790K, E1900K.
Identifiers: ClinVar variation 5038966 (VCV005038966.1).
Genomic context (GRCh38, chr8:143,924,642, plus strand): 5'-CGCTGGTGGAGCGCGACTCCTCCTCAGCCCTCGCCTTGCTGGCCAGCAGCACCTCCATCT[C>T]GGCCCGCACCTTGGCCAGCTCGGCTTCCAGCTCCTGCCGTTTCTGCGTGGCTGCAGCCGC-3'
Protein context (NP_958786.1, residues 1753-1773): LEAELAKVRA[Glu1763Lys]MEVLLASKAR